The following is an entry in ClinVar:

NM_001080516.2(GRXCR2):c.293G>A (p.Gly98Asp)

Gene: GRXCR2 (glutaredoxin and cysteine rich domain containing 2; minus strand). Cytogenetic location: 5q32.
Variant type: single nucleotide variant.
Coding change: c.293G>A on transcript NM_001080516.2 (MANE Select); coding-DNA position 293, G replaced by A.
Protein change: p.Gly98Asp; replaces glycine 98 with aspartic acid.
Molecular consequence: missense variant.
Genome position (GRCh38, 1-based): chr5:145,872,676, C>T on the plus strand (G>A on the coding strand, the complement: GRXCR2 is on the minus strand). VCF-style: chr5-145872676-C-T. GRCh37 (hg19) VCF-style: chr5-145252239-C-T.
Other names: p.Gly98Asp; short protein forms G98D.
Identifiers: ClinVar variation 804889 (VCV000804889.14), dbSNP rs71594518, ClinGen allele CA3488066.
Genomic context (GRCh38, chr5:145,872,676, plus strand): 5'-CCATGCACAATACCAACCTTATGGTCATTCGCCTTGTAATCGTTGAACCGAGGCTGGCCG[C>T]CTGCCAAGGTGTAGGCATTACCCTCTCTAAACACACTGATCCTCTGAGCAGTCAGCTTAG-3'
Protein context (NP_001073985.1, residues 88-108): FREGNAYTLA[Gly98Asp]GQPRFNDYKA

ClinVar aggregate classification (germline): Benign. Review status: criteria provided, multiple submitters, no conflicts (2 of 4 stars). 5 submissions from 5 submitters: Benign (4). 1 of the submissions does not count toward it. Last evaluated 2026-02-01.

Conditions:
GRXCR2-related disorder. Also called: GRXCR2-related condition.

Allele frequency attached by ClinVar (database versions not stated): gnomAD exomes 0.03116 and 0.03641; gnomAD 0.05170 and 0.05137; ESP Exome Variant Server 0.05705; 1000 Genomes Project 0.05871; 1000 Genomes Project 30x 0.06246; ExAC 0.03872; TOPMed 0.05240.
gnomAD v4.1: 53,364 of 1,608,064 alleles (3.3%); highest among the groups gnomAD compares: African/African-American, 11%; 1,356 homozygotes.

Submissions (5):

Labcorp Genetics (formerly Invitae), Labcorp
Classification: Benign. Last evaluated: 2026-02-01. Review status: criteria provided, single submitter. Criteria: Invitae Variant Classification Sherloc (09022015). Collection method: clinical testing. Allele origin: germline.

Mayo Clinic Laboratories, Mayo Clinic
Classification: Benign. Last evaluated: 2022-04-17. Review status: criteria provided, single submitter. Criteria: ACMG Guidelines, 2015. Collection method: clinical testing. Allele origin: germline. Observed: 14 variant alleles.

GeneDx
Classification: Benign. Last evaluated: 2021-05-04. Review status: criteria provided, single submitter. Criteria: GeneDx Variant Classification Process June 2021. Collection method: clinical testing. Allele origin: germline. Affected: yes.

Athena Diagnostics
Classification: Benign. Last evaluated: 2019-04-16. Review status: criteria provided, single submitter. Criteria: Athena Diagnostics Criteria. Collection method: clinical testing. Allele origin: germline.

PreventionGenetics, part of Exact Sciences
Classification: Benign for GRXCR2-related condition. Last evaluated: 2019-05-07. Review status: no assertion criteria provided. Collection method: clinical testing. Allele origin: germline. Not counted in ClinVar's aggregate classification.
Comment: This variant is classified as benign based on ACMG/AMP sequence variant interpretation guidelines (Richards et al. 2015 PMID: 25741868, with internal and published modifications).